The following is an entry in ClinVar:

NM_000541.5(SAG):c.787G>A (p.Val263Met)

Gene: SAG (S-antigen visual arrestin; plus strand). Cytogenetic location: 2q37.1.
Variant type: single nucleotide variant.
Coding change: c.787G>A on transcript NM_000541.5 (MANE Select); coding-DNA position 787, G replaced by A.
Protein change: p.Val263Met; replaces valine 263 with methionine.
Molecular consequence: missense variant.
Genome position (GRCh38, 1-based): chr2:233,331,693, G>A. VCF-style: chr2-233331693-G-A. GRCh37 (hg19) VCF-style: chr2-234240339-G-A.
Other names: short protein forms V263M.
Identifiers: ClinVar variation 1525319 (VCV001525319.7), dbSNP rs534274448, ClinGen allele CA2174528.

ClinVar aggregate classification (germline): Uncertain significance. Review status: criteria provided, multiple submitters, no conflicts (2 of 4 stars). 2 submissions from 2 submitters: Uncertain significance (2). Last evaluated 2023-10-31.

Allele frequency attached by ClinVar (database versions not stated): gnomAD exomes 0.00001; TOPMed 0.00004; gnomAD 0.00005.

Submissions (2):

Labcorp Genetics (formerly Invitae), Labcorp
Classification: Uncertain significance. Last evaluated: 2023-10-31. Review status: criteria provided, single submitter. Criteria: Invitae Variant Classification Sherloc (09022015). Collection method: clinical testing. Allele origin: germline.
Comment: This sequence change replaces valine, which is neutral and non-polar, with methionine, which is neutral and non-polar, at codon 263 of the SAG protein (p.Val263Met). This variant is present in population databases (rs534274448, gnomAD 0.003%). This variant has not been reported in the literature in individuals affected with SAG-related conditions. ClinVar contains an entry for this variant (Variation ID: 1525319). Advanced modeling of protein sequence and biophysical properties (such as structural, functional, and spatial information, amino acid conservation, physicochemical variation, residue mobility, and thermodynamic stability) performed at Invitae indicates that this missense variant is expected to disrupt SAG protein function with a positive predictive value of 80%. In summary, the available evidence is currently insufficient to determine the role of this variant in disease. Therefore, it has been classified as a Variant of Uncertain Significance.

Blueprint Genetics
Classification: Uncertain significance. Last evaluated: 2021-10-19. Review status: criteria provided, single submitter. Criteria: ACMG Guidelines, 2015. Collection method: clinical testing. Allele origin: germline.